The following is an entry in ClinVar:

NM_001353812.2(ATP11C):c.3357A>G (p.Leu1119=)

Gene: ATP11C (ATPase phospholipid transporting 11C (ATP11C blood group); minus strand). Cytogenetic location: Xq27.1.
Variant type: single nucleotide variant.
Coding change: c.3357A>G on transcript NM_001353812.2 (MANE Select); coding-DNA position 3357, A replaced by G.
Protein change: p.Leu1119=; no amino-acid change (leucine 1119 retained).
Molecular consequence: synonymous variant. On other transcripts: intron variant (3).
Genome position (GRCh38, 1-based): chrX:139,731,687, T>C on the plus strand (A>G on the coding strand, the complement: ATP11C is on the minus strand). VCF-style: chrX-139731687-T-C. GRCh37 (hg19) VCF-style: chrX-138813846-T-C.
Other names: c.3366A>G, p.Leu1122= (NM_173694.5); c.3289-2725A>G (NM_001353810.2); c.*1+748A>G (NM_001353811.2); c.3298-2725A>G (NM_001010986.3).
Identifiers: ClinVar variation 2661532 (VCV002661532.24), dbSNP rs749305244, ClinGen allele CA10530614.

ClinVar aggregate classification (germline): Likely benign (1 of 4 stars; one submission).

Allele frequency attached by ClinVar (database versions not stated): gnomAD exomes below 0.00001; ExAC 0.00001; gnomAD 0.00001; TOPMed 0.00001.
gnomAD v4.1: 3 of 1,193,613 alleles (0.00025%); highest among the groups gnomAD compares: Non-Finnish European, 0.00034%; no homozygotes.

Submission:

CeGaT Center for Human Genetics Tuebingen
Classification: Likely benign. Last evaluated: 2022-12-01. Review status: criteria provided, single submitter. Criteria: CeGaT Center For Human Genetics Tuebingen Variant Classification Criteria Version 2. Collection method: clinical testing. Allele origin: germline. Affected: yes. Observed: 2 variant alleles.
Comment: ATP11C: BP4